The following is an entry in ClinVar:

NM_001106.4(ACVR2B):c.1489G>A (p.Val497Met)

Gene: ACVR2B (activin A receptor type 2B; plus strand). Cytogenetic location: 3p22.2.
Variant type: single nucleotide variant.
Coding change: c.1489G>A on transcript NM_001106.4 (MANE Select); coding-DNA position 1489, G replaced by A.
Protein change: p.Val497Met; replaces valine 497 with methionine.
Molecular consequence: missense variant.
Genome position (GRCh38, 1-based): chr3:38,483,282, G>A. VCF-style: chr3-38483282-G-A. GRCh37 (hg19) VCF-style: chr3-38524773-G-A.
Other names: short protein forms V497M.
Identifiers: ClinVar variation 2825636 (VCV002825636.3), dbSNP rs1164294862, ClinGen allele CA352135322.
Genomic context (GRCh38, chr3:38,483,282, plus strand): 5'-CGGGTGTCCCTGATTCGGAGGTCGGTCAACGGCACTACCTCGGACTGTCTCGTTTCCCTG[G>A]TGACCTCTGTCACCAATGTGGACCTGCCCCCTAAAGAGTCAAGCATCTAAGCCCAGGACA-3'
Protein context (NP_001097.2, residues 487-507): GTTSDCLVSL[Val497Met]TSVTNVDLPP

ClinVar aggregate classification (germline): Uncertain significance (1 of 4 stars; one submission).

Conditions:
Heterotaxy, visceral, 4, autosomal (HTX4). Identifiers: Orphanet 450, MedGen C3151057, MONDO:0013403, OMIM 613751.

Allele frequency attached by ClinVar (database versions not stated): TOPMed below 0.00001.
gnomAD v4.1: 2 of 1,614,002 alleles (0.00012%); highest among the groups gnomAD compares: Admixed American, 0.0033%; no homozygotes.

Submission:

Labcorp Genetics (formerly Invitae), Labcorp
Classification: Uncertain significance for Heterotaxy, visceral, 4, autosomal. Last evaluated: 2023-10-14. Review status: criteria provided, single submitter. Criteria: Invitae Variant Classification Sherloc (09022015). Collection method: clinical testing. Allele origin: germline.
Comment: This sequence change replaces valine, which is neutral and non-polar, with methionine, which is neutral and non-polar, at codon 497 of the ACVR2B protein (p.Val497Met). This variant is present in population databases (no rsID available, gnomAD 0.003%). This variant has not been reported in the literature in individuals affected with ACVR2B-related conditions. Advanced modeling of protein sequence and biophysical properties (such as structural, functional, and spatial information, amino acid conservation, physicochemical variation, residue mobility, and thermodynamic stability) performed at Invitae indicates that this missense variant is not expected to disrupt ACVR2B protein function. In summary, the available evidence is currently insufficient to determine the role of this variant in disease. Therefore, it has been classified as a Variant of Uncertain Significance.